The following is an entry in ClinVar:

ClinVar aggregate classification (germline): Uncertain significance. Review status: criteria provided, single submitter (1 of 4 stars). 2 submissions from 2 submitters: Uncertain significance (1). 1 of the submissions does not count toward it. Last evaluated 2021-08-20.

Conditions:
XYLT2-related disorder. Also called: XYLT2-related condition.

Allele frequency attached by ClinVar (database versions not stated): TOPMed 0.00008; gnomAD 0.00007; ExAC 0.00003; gnomAD exomes 0.00007.
gnomAD v4.1: 97 of 1,607,554 alleles (0.006%); highest among the groups gnomAD compares: South Asian, 0.014%; no homozygotes.

Submissions (2):

Labcorp Genetics (formerly Invitae), Labcorp
Classification: Uncertain significance. Last evaluated: 2021-08-20. Review status: criteria provided, single submitter. Criteria: Invitae Variant Classification Sherloc (09022015). Collection method: clinical testing. Allele origin: germline.
Comment: This sequence change replaces valine with methionine at codon 147 of the XYLT2 protein (p.Val147Met). The valine residue is highly conserved and there is a small physicochemical difference between valine and methionine. This variant is present in population databases (rs779253497, ExAC 0.01%). This variant has not been reported in the literature in individuals affected with XYLT2-related conditions. Algorithms developed to predict the effect of missense changes on protein structure and function are either unavailable or do not agree on the potential impact of this missense change (SIFT: "Tolerated"; PolyPhen-2: "Probably Damaging"; Align-GVGD: "Class C0"). In summary, the available evidence is currently insufficient to determine the role of this variant in disease. Therefore, it has been classified as a Variant of Uncertain Significance.

PreventionGenetics, part of Exact Sciences
Classification: Uncertain significance for XYLT2-related condition. Last evaluated: 2023-12-26. Review status: no assertion criteria provided. Collection method: clinical testing. Allele origin: germline. Not counted in ClinVar's aggregate classification.
Comment: The XYLT2 c.439G>A variant is predicted to result in the amino acid substitution p.Val147Met. To our knowledge, this variant has not been reported in the literature. This variant is reported in 0.020% of alleles in individuals of South Asian descent in gnomAD. At this time, the clinical significance of this variant is uncertain due to the absence of conclusive functional and genetic evidence.

NM_022167.4(XYLT2):c.439G>A (p.Val147Met)

Gene: XYLT2 (xylosyltransferase 2; plus strand). Cytogenetic location: 17q21.33.
Variant type: single nucleotide variant.
Coding change: c.439G>A on transcript NM_022167.4 (MANE Select); coding-DNA position 439, G replaced by A.
Protein change: p.Val147Met; replaces valine 147 with methionine.
Molecular consequence: missense variant.
Genome position (GRCh38, 1-based): chr17:50,353,933, G>A. VCF-style: chr17-50353933-G-A. GRCh37 (hg19) VCF-style: chr17-48431294-G-A.
Other names: short protein forms V147M.
Identifiers: ClinVar variation 1416273 (VCV001416273.7), dbSNP rs779253497, ClinGen allele CA8646164.